The following is an entry in ClinVar:

ClinVar aggregate classification (germline): Uncertain significance (1 of 4 stars; one submission).

Allele frequency attached by ClinVar (database versions not stated): gnomAD exomes below 0.00001.
gnomAD v4.1: 1 of 1,613,128 alleles (0.000062%); highest among the groups gnomAD compares: Non-Finnish European, 0.000085%; no homozygotes.

Submission:

Labcorp Genetics (formerly Invitae), Labcorp
Classification: Uncertain significance. Last evaluated: 2023-10-22. Review status: criteria provided, single submitter. Criteria: Invitae Variant Classification Sherloc (09022015). Collection method: clinical testing. Allele origin: germline.
Comment: This sequence change replaces lysine, which is basic and polar, with isoleucine, which is neutral and non-polar, at codon 231 of the SLC10A7 protein (p.Lys231Ile). This variant is not present in population databases (gnomAD no frequency). This variant has not been reported in the literature in individuals affected with SLC10A7-related conditions. An algorithm developed to predict the effect of missense changes on protein structure and function (PolyPhen-2) suggests that this variant is likely to be tolerated. In summary, the available evidence is currently insufficient to determine the role of this variant in disease. Therefore, it has been classified as a Variant of Uncertain Significance.

NM_001029998.6(SLC10A7):c.692A>T (p.Lys231Ile)

Gene: SLC10A7 (solute carrier family 10 member 7; minus strand). Cytogenetic location: 4q31.22.
Variant type: single nucleotide variant.
Coding change: c.692A>T on transcript NM_001029998.6 (MANE Select); coding-DNA position 692, A replaced by T.
Protein change: p.Lys231Ile; replaces lysine 231 with isoleucine.
Molecular consequence: missense variant.
Genome position (GRCh38, 1-based): chr4:146,293,959, T>A on the plus strand (A>T on the coding strand, the complement: SLC10A7 is on the minus strand). VCF-style: chr4-146293959-T-A. GRCh37 (hg19) VCF-style: chr4-147215111-T-A.
Other names: c.692A>T, p.Lys231Ile (NM_001300842.3); c.653A>T, p.Lys218Ile (NM_001317816.2); short protein forms K218I, K231I.
Identifiers: ClinVar variation 2770667 (VCV002770667.3), dbSNP rs2547180949, ClinGen allele CA358412016.